The following is an entry in ClinVar:

NM_015374.3(SUN2):c.284G>A (p.Trp95Ter)

Gene: SUN2 (Sad1 and UNC84 domain containing 2; minus strand). Cytogenetic location: 22q13.1.
Variant type: single nucleotide variant.
Coding change: c.284G>A on transcript NM_015374.3 (MANE Select); coding-DNA position 284, G replaced by A.
Protein change: p.Trp95Ter; replaces tryptophan 95 with a stop codon.
Molecular consequence: nonsense. On other transcripts: intron variant (1).
Genome position (GRCh38, 1-based): chr22:38,751,212, C>T on the plus strand (G>A on the coding strand, the complement: SUN2 is on the minus strand). VCF-style: chr22-38751212-C-T. GRCh37 (hg19) VCF-style: chr22-39147217-C-T.
Other names: c.284G>A, p.Trp95Ter (NM_001199579.2, NM_001199580.2, NM_001394427.1 and 16 more transcripts); c.194G>A, p.Trp65Ter (NM_001394438.1); c.122+1295G>A (NM_001394443.1); short protein forms W65*, W95*.
Identifiers: ClinVar variation 3717310 (VCV003717310.2).

ClinVar aggregate classification (germline): Uncertain significance (1 of 4 stars; one submission).

Conditions:
Emery-Dreifuss muscular dystrophy (EDMD). Also called: Scapuloperoneal syndrome, X-linked (formerly); Humeroperoneal neuromuscular disease, (formerly). Identifiers: Orphanet 261, MedGen C0410189, MONDO:0016830.

Submission:

Labcorp Genetics (formerly Invitae), Labcorp
Classification: Uncertain significance for Emery-Dreifuss muscular dystrophy. Last evaluated: 2024-09-16. Review status: criteria provided, single submitter. Criteria: Invitae Variant Classification Sherloc (09022015). Collection method: clinical testing. Allele origin: germline.
Comment: This sequence change creates a premature translational stop signal (p.Trp95*) in the SUN2 gene. It is expected to result in an absent or disrupted protein product. However, the current clinical and genetic evidence is not sufficient to establish whether loss-of-function variants in SUN2 cause disease. This variant is not present in population databases (gnomAD no frequency). This variant has not been reported in the literature in individuals affected with SUN2-related conditions. In summary, the available evidence is currently insufficient to determine the role of this variant in disease. Therefore, it has been classified as a Variant of Uncertain Significance.